The following is an entry in ClinVar:

NM_001367823.1(ARHGEF18):c.4068A>C (p.Glu1356Asp)

Gene: ARHGEF18 (Rho/Rac guanine nucleotide exchange factor 18; plus strand). Cytogenetic location: 19p13.2.
Variant type: single nucleotide variant.
Coding change: c.4068A>C on transcript NM_001367823.1 (MANE Select); coding-DNA position 4068, A replaced by C.
Protein change: p.Glu1356Asp; replaces glutamic acid 1356 with aspartic acid.
Molecular consequence: missense variant.
Genome position (GRCh38, 1-based): chr19:7,470,280, A>C. VCF-style: chr19-7470280-A-C. GRCh37 (hg19) VCF-style: chr19-7535166-A-C.
Other names: c.3342A>C, p.Glu1114Asp (NM_001130955.2); c.3030A>C, p.Glu1010Asp (NM_001367824.1, NM_015318.4); c.3504A>C (NM_001130955.1); short protein forms E1114D, E1010D, E1356D.
Identifiers: ClinVar variation 1470530 (VCV001470530.9), dbSNP rs1276127172, ClinGen allele CA403099188.

ClinVar aggregate classification (germline): Uncertain significance. Review status: criteria provided, multiple submitters, no conflicts (2 of 4 stars). 2 submissions from 2 submitters: Uncertain significance (2). Last evaluated 2025-04-12.

Conditions:
Inborn genetic diseases. Identifiers: MedGen C0950123, MeSH D030342.

Allele frequency attached by ClinVar (database versions not stated): TOPMed below 0.00001; gnomAD exomes 0.00001.
gnomAD v4.1: 12 of 1,544,744 alleles (0.00078%); highest among the groups gnomAD compares: East Asian, 0.0024%; no homozygotes.

Submissions (2):

Ambry Genetics
Classification: Uncertain significance for Inborn genetic diseases. Last evaluated: 2025-04-12. Review status: criteria provided, single submitter. Criteria: Ambry Variant Classification Scheme 2023. Collection method: clinical testing. Allele origin: germline.

Labcorp Genetics (formerly Invitae), Labcorp
Classification: Uncertain significance. Last evaluated: 2024-10-21. Review status: criteria provided, single submitter. Criteria: Invitae Variant Classification Sherloc (09022015). Collection method: clinical testing. Allele origin: germline.
Comment: This sequence change replaces glutamic acid, which is acidic and polar, with aspartic acid, which is acidic and polar, at codon 1168 of the ARHGEF18 protein (p.Glu1168Asp). This variant is present in population databases (no rsID available, gnomAD 0.03%). This variant has not been reported in the literature in individuals affected with ARHGEF18-related conditions. ClinVar contains an entry for this variant (Variation ID: 1470530). An algorithm developed to predict the effect of missense changes on protein structure and function (PolyPhen-2) suggests that this variant is likely to be disruptive. In summary, the available evidence is currently insufficient to determine the role of this variant in disease. Therefore, it has been classified as a Variant of Uncertain Significance.